The following is an entry in ClinVar:

NM_000396.4(CTSK):c.151dup (p.Glu51fs)

Gene: CTSK (cathepsin K; minus strand). Cytogenetic location: 1q21.3.
Variant type: Duplication.
Coding change: c.151dup on transcript NM_000396.4 (MANE Select); coding-DNA position 151, one base duplicated (G; older notation c.151dupG).
Protein change: p.Glu51fs; shifts the reading frame from glutamic acid 51.
Molecular consequence: frameshift variant.
Genome position (GRCh38, 1-based): chr1:150,806,194, C duplicated on the plus strand (G on the coding strand, the reverse complement: CTSK is on the minus strand); the first of 3 consecutive C bases (chr1:150,806,194-150,806,196); duplicating any one gives the same sequence. VCF-style (leftmost placement, unchanged base first): chr1-150806193-T-TC. GRCh37 (hg19) VCF-style: chr1-150778669-T-TC.
Other names: short protein forms E51fs.
Identifiers: ClinVar variation 1724188 (VCV001724188.2), dbSNP rs2525178790, ClinGen allele CA2580061009.

ClinVar aggregate classification (germline): Likely pathogenic (1 of 4 stars; one submission).

Conditions:
Pyknodysostosis. Also called: Pycnodysostosis. Identifiers: Orphanet 763, MedGen C0238402, MONDO:0009940, OMIM 265800.

Submission:

Myriad Genetics, Inc.
Classification: Likely pathogenic for Pyknodysostosis. Last evaluated: 2022-01-31. Review status: criteria provided, single submitter. Criteria: Myriad Women's Health Autosomal Recessive and X-Linked Classification Criteria (2021). Collection method: clinical testing. Allele origin: unknown.
Comment: NM_000396.3(CTSK):c.151dupG(E51Gfs*11) is expected to be pathogenic in the context of pycnodysostosis. This variant is predicted to lead to an abnormal or absent protein product due to the creation of a premature termination codon in CTSK, a gene where loss-of-function variants are known to be pathogenic. Please note: this variant was assessed in the context of healthy population screening.